The following is an entry in ClinVar:

ClinVar aggregate classification (germline): Uncertain significance (1 of 4 stars; one submission).

Conditions:
Inborn genetic diseases. Identifiers: MedGen C0950123, MeSH D030342.

Submission:

Ambry Genetics
Classification: Uncertain significance for Inborn genetic diseases. Last evaluated: 2025-05-24. Review status: criteria provided, single submitter. Criteria: Ambry Variant Classification Scheme 2023. Collection method: clinical testing. Allele origin: germline.
Comment: The p.S1176N variant (also known as c.3527G>A), located in coding exon 16 of the MECOM gene, results from a G to A substitution at nucleotide position 3527. The serine at codon 1176 is replaced by asparagine, an amino acid with highly similar properties. This amino acid position is conserved. In addition, this alteration is predicted to be tolerated by in silico analysis. Based on the available evidence, the clinical significance of this variant remains unclear.

NM_004991.4(MECOM):c.3527G>A (p.Ser1176Asn)

Gene: MECOM (MDS1 and EVI1 complex locus; minus strand). Cytogenetic location: 3q26.2.
Variant type: single nucleotide variant.
Coding change: c.3527G>A on transcript NM_004991.4 (MANE Select); coding-DNA position 3527, G replaced by A.
Protein change: p.Ser1176Asn; replaces serine 1176 with asparagine.
Molecular consequence: missense variant.
Genome position (GRCh38, 1-based): chr3:169,089,058, C>T on the plus strand (G>A on the coding strand, the complement: MECOM is on the minus strand). VCF-style: chr3-169089058-C-T. GRCh37 (hg19) VCF-style: chr3-168806846-C-T.
Other names: c.3158G>A, p.Ser1053Asn (NM_001105077.4); c.2963G>A, p.Ser988Asn (NM_001105078.4, NM_001205194.2, NM_001366469.2 and 1 more transcripts); c.2939G>A, p.Ser980Asn (NM_001163999.2, NM_001366470.2); c.2936G>A, p.Ser979Asn (NM_001164000.2, NM_001366471.2, NM_001366472.2); c.3500G>A, p.Ser1167Asn (NM_001366466.2); c.2966G>A, p.Ser989Asn (NM_001366467.2, NM_001366468.2); c.2528G>A, p.Ser843Asn (NM_001366473.2); c.1964G>A, p.Ser655Asn (NM_001366474.2); short protein forms S1053N, S1176N, S980N, S988N, S843N, S979N, S989N, S1167N.
Identifiers: ClinVar variation 4053285 (VCV004053285.1).